The following is an entry in ClinVar:

NM_001322934.2(NFKB2):c.2149T>C (p.Ser717Pro)

Gene: NFKB2 (nuclear factor kappa B subunit 2; plus strand). Cytogenetic location: 10q24.32.
Variant type: single nucleotide variant.
Coding change: c.2149T>C on transcript NM_001322934.2 (MANE Select); coding-DNA position 2149, T replaced by C.
Protein change: p.Ser717Pro; replaces serine 717 with proline.
Molecular consequence: missense variant.
Genome position (GRCh38, 1-based): chr10:102,401,257, T>C. VCF-style: chr10-102401257-T-C. GRCh37 (hg19) VCF-style: chr10-104161014-T-C.
Other names: c.2149T>C, p.Ser717Pro (NM_001077493.1, NM_001077494.3, NM_001261403.3 and 2 more transcripts); c.2023T>C, p.Ser675Pro (NM_001322935.1); short protein forms S675P, S717P.
Identifiers: ClinVar variation 1999343 (VCV001999343.5), dbSNP rs2544600420, ClinGen allele CA377904208.

ClinVar aggregate classification (germline): Uncertain significance. Review status: criteria provided, multiple submitters, no conflicts (2 of 4 stars). 2 submissions from 2 submitters: Uncertain significance (2). Last evaluated 2024-05-23.

Conditions:
Immunodeficiency, common variable, 10. Also called: IMMUNODEFICIENCY, COMMON VARIABLE, WITH CENTRAL ADRENAL INSUFFICIENCY; DEFICIT IN ANTERIOR PITUITARY FUNCTION AND VARIABLE IMMUNODEFICIENCY. Identifiers: MedGen C3809991, MONDO:0014260, OMIM 615577.

Allele frequency attached by ClinVar (database versions not stated): gnomAD exomes below 0.00001.
gnomAD v4.1: 1 of 1,612,042 alleles (0.000062%); highest among the groups gnomAD compares: Non-Finnish European, 0.000085%; no homozygotes.

Submissions (2):

GeneDx
Classification: Uncertain significance. Last evaluated: 2024-05-23. Review status: criteria provided, single submitter. Criteria: GeneDx Variant Classification Process June 2021. Collection method: clinical testing. Allele origin: germline. Affected: yes.
Comment: Not observed at significant frequency in large population cohorts (gnomAD); In silico analysis indicates that this missense variant does not alter protein structure/function; Has not been previously published as pathogenic or benign to our knowledge

Labcorp Genetics (formerly Invitae), Labcorp
Classification: Uncertain significance for Immunodeficiency, common variable, 10. Last evaluated: 2022-05-27. Review status: criteria provided, single submitter. Criteria: Invitae Variant Classification Sherloc (09022015). Collection method: clinical testing. Allele origin: germline.
Comment: This sequence change replaces serine, which is neutral and polar, with proline, which is neutral and non-polar, at codon 717 of the NFKB2 protein (p.Ser717Pro). This variant is not present in population databases (gnomAD no frequency). In summary, the available evidence is currently insufficient to determine the role of this variant in disease. Therefore, it has been classified as a Variant of Uncertain Significance. Algorithms developed to predict the effect of missense changes on protein structure and function are either unavailable or do not agree on the potential impact of this missense change (SIFT: "Deleterious"; PolyPhen-2: "Benign"; Align-GVGD: "Class C0"). This variant has not been reported in the literature in individuals affected with NFKB2-related conditions.